The following is an entry in ClinVar:

NM_002907.4(RECQL):c.1090G>T (p.Glu364Ter)

Gene: RECQL (RecQ like helicase; minus strand). Cytogenetic location: 12p12.1.
Variant type: single nucleotide variant.
Coding change: c.1090G>T on transcript NM_002907.4 (MANE Select); coding-DNA position 1090, G replaced by T.
Protein change: p.Glu364Ter; replaces glutamic acid 364 with a stop codon.
Molecular consequence: nonsense.
Genome position (GRCh38, 1-based): chr12:21,475,684, C>A on the plus strand (G>T on the coding strand, the complement: RECQL is on the minus strand). VCF-style: chr12-21475684-C-A. GRCh37 (hg19) VCF-style: chr12-21628618-C-A.
Other names: c.1090G>T, p.Glu364Ter (NM_032941.3); short protein forms E364*.
Identifiers: ClinVar variation 2565591 (VCV002565591.2), dbSNP rs2540345892, ClinGen allele CA384121089.

ClinVar aggregate classification (germline): Uncertain significance (1 of 4 stars; one submission).

Submission:

Ambry Genetics
Classification: Uncertain significance. Last evaluated: 2023-06-08. Review status: criteria provided, single submitter. Criteria: Ambry Variant Classification Scheme 2023. Collection method: clinical testing. Allele origin: germline.
Comment: The p.E364* variant (also known as c.1090G>T), located in coding exon 8 of the RECQL gene, results from a G to T substitution at nucleotide position 1090. This changes the amino acid from a glutamic acid to a stop codon within coding exon 8. This alteration is expected to result in protein truncation or nonsense-mediated mRNA decay. The evidence for this gene-disease relationship is limited; therefore, the clinical significance of this alteration is unclear.